The following is an entry in ClinVar:

NM_001267550.2(TTN):c.965G>C (p.Arg322Thr)

Gene: TTN (titin; minus strand). Cytogenetic location: 2q31.2.
Variant type: single nucleotide variant.
Coding change: c.965G>C on transcript NM_001267550.2 (MANE Select); coding-DNA position 965, G replaced by C.
Protein change: p.Arg322Thr; replaces arginine 322 with threonine.
Molecular consequence: missense variant.
Genome position (GRCh38, 1-based): chr2:178,795,202, C>G on the plus strand (G>C on the coding strand, the complement: TTN is on the minus strand). VCF-style: chr2-178795202-C-G. GRCh37 (hg19) VCF-style: chr2-179659929-C-G.
Other names: p.Arg322Thr; c.965G>C, p.Arg322Thr (NM_003319.4, NM_133378.4, NM_133379.5 and 3 more transcripts); short protein forms R322T.
Identifiers: ClinVar variation 2438111 (VCV002438111.4), dbSNP rs144557211, ClinGen allele CA2006162.
Genomic context (GRCh38, chr2:178,795,202, plus strand): 5'-GGCACTTCAGGACCTGTGGCCACGGTGGATGCCTGAGTCTTACGCATGAGCAATGGAGAC[C>G]TAACAGACCTGATGGGGGATGTGGAGATTCTTGCTGCTGGAGACACGGACCTGAAAACCA-3'
Protein context (NP_001254479.2, residues 312-332): RISTSPIRSV[Arg322Thr]SPLLMRKTQA

ClinVar aggregate classification (germline): Uncertain significance. Review status: criteria provided, multiple submitters, no conflicts (2 of 4 stars). 2 submissions from 2 submitters: Uncertain significance (2). Last evaluated 2022-03-25.

Allele frequency attached by ClinVar (database versions not stated): ExAC 0.00001; gnomAD 0.00005; TOPMed 0.00005; ESP Exome Variant Server 0.00015.
gnomAD v4.1: 19 of 1,614,018 alleles (0.0012%); highest among the groups gnomAD compares: African/African-American, 0.013%; no homozygotes.

Submissions (2):

Mayo Clinic Laboratories, Mayo Clinic
Classification: Uncertain significance. Last evaluated: 2022-03-25. Review status: criteria provided, single submitter. Criteria: ACMG Guidelines, 2015. Collection method: clinical testing. Allele origin: germline. Observed: 2 variant alleles.
Comment: BP4, PM2

Revvity Omics, Revvity
Classification: Uncertain significance. Last evaluated: 2020-11-04. Review status: criteria provided, single submitter. Criteria: ACMG Guidelines, 2015. Collection method: clinical testing. Allele origin: germline.